The following is an entry in ClinVar:

NM_000543.5(SMPD1):c.714A>G (p.Ala238=)

Gene: SMPD1 (sphingomyelin phosphodiesterase 1; plus strand). Cytogenetic location: 11p15.4.
Variant type: single nucleotide variant.
Coding change: c.714A>G on transcript NM_000543.5 (MANE Select); coding-DNA position 714, A replaced by G.
Protein change: p.Ala238=; no amino-acid change (alanine 238 retained).
Molecular consequence: synonymous variant. On other transcripts: 5 prime UTR variant (1), non-coding transcript variant (1).
Genome position (GRCh38, 1-based): chr11:6,391,779, A>G. VCF-style: chr11-6391779-A-G. GRCh37 (hg19) VCF-style: chr11-6413009-A-G.
Other names: c.711A>G, p.Ala237= (NM_001007593.3); c.714A>G, p.Ala238= (NM_001318087.2, NM_001365135.2); c.-248A>G (NM_001318088.2).
Identifiers: ClinVar variation 281046 (VCV000281046.28), dbSNP rs2682091, ClinGen allele CA5852670.

ClinVar aggregate classification (germline): Benign/Likely benign. Review status: criteria provided, multiple submitters, no conflicts (2 of 4 stars). 9 submissions from 9 submitters: Benign (6); Likely benign (1). 2 of the submissions do not count toward it. Last evaluated 2026-02-04.

Conditions:
Niemann-Pick disease, type A. Also called: SPHINGOMYELIN LIPIDOSIS; SPHINGOMYELINASE DEFICIENCY; Infantile Neurovisceral ASMD (Niemann-Pick Disease Type A; NPD-A). Identifiers: Orphanet 77292, MedGen C0268242, MONDO:0009756, OMIM 257200. Disease mechanism: loss of function.
Inborn genetic diseases. Identifiers: MedGen C0950123, MeSH D030342.
Niemann-Pick disease, type B. Also called: Chronic Visceral ASMD (Niemann-Pick Disease Type B; NPD-B). Identifiers: Orphanet 77293, MedGen C0268243, MONDO:0011871, OMIM 607616. Disease mechanism: loss of function.

Allele frequency attached by ClinVar (database versions not stated): gnomAD exomes 0.00324 and 0.00849; ExAC 0.01050; 1000 Genomes Project 0.02796; 1000 Genomes Project 30x 0.03326; gnomAD 0.03391 and 0.03664; TOPMed 0.03901; ESP Exome Variant Server 0.03963.
gnomAD v4.1: 10,201 of 1,612,342 alleles (0.63%); highest among the groups gnomAD compares: African/African-American, 12%; 589 homozygotes.

Submissions (9):

Labcorp Genetics (formerly Invitae), Labcorp
Classification: Benign for Niemann-Pick disease, type B; Niemann-Pick disease, type A. Last evaluated: 2026-02-04. Review status: criteria provided, single submitter. Criteria: Invitae Variant Classification Sherloc (09022015). Collection method: clinical testing. Allele origin: germline.

Ambry Genetics
Classification: Likely benign for Inborn genetic diseases. Last evaluated: 2022-06-02. Review status: criteria provided, single submitter. Criteria: Ambry Variant Classification Scheme 2023. Collection method: clinical testing. Allele origin: germline.

GeneDx
Classification: Benign. Last evaluated: 2018-06-13. Review status: criteria provided, single submitter. Criteria: GeneDx Variant Classification (06012015). Collection method: clinical testing. Allele origin: germline. Affected: yes.
Comment: This variant is considered likely benign or benign based on one or more of the following criteria: it is a conservative change, it occurs at a poorly conserved position in the protein, it is predicted to be benign by multiple in silico algorithms, and/or has population frequency not consistent with disease.

Women's Health and Genetics/Laboratory Corporation of America, LabCorp
Classification: Benign. Last evaluated: 2018-06-04. Review status: criteria provided, single submitter. Criteria: LabCorp Variant Classification Summary - May 2015. Collection method: clinical testing. Allele origin: germline.
Comment: Variant summary: SMPD1 c.714A>G alters a non-conserved nucleotide resulting in a synonymous change. 4/5 computational tools predict no significant impact on normal splicing. However, these predictions have yet to be confirmed by functional studies. The variant allele was found at a frequency of 0.011 in 273774 control chromosomes in the gnomAD database, including 170 homozygotes. The observed variant frequency is approximately 4.96 fold of the estimated maximal expected allele frequency for a pathogenic variant in SMPD1 causing Niemann-Pick Disease Type A phenotype (0.0022), strongly suggesting that the variant is benign. To our knowledge, no occurrence of c.714A>G in individuals affected with Niemann-Pick Disease Type A and no experimental evidence demonstrating its impact on protein function have been reported. Three clinical diagnostic laboratories have submitted clinical-significance assessments for this variant to ClinVar after 2014 without evidence for independent evaluation. All laboratories classified the variant as benign/likely benign. Based on the evidence outlined above, the variant was classified as benign.

Illumina Laboratory Services, Illumina
Classification: Benign for Niemann-Pick disease, type A. Last evaluated: 2018-01-12. Review status: criteria provided, single submitter. Criteria: ICSL Variant Classification Criteria 13 December 2019. Collection method: clinical testing. Allele origin: germline.
Comment: This variant was observed in the ICSL laboratory as part of a predisposition screen in an ostensibly healthy population. It had not been previously curated by ICSL or reported in the Human Gene Mutation Database (HGMD: prior to June 1st, 2018), and was therefore a candidate for classification through an automated scoring system. Utilizing variant allele frequency, disease prevalence and penetrance estimates, and inheritance mode, an automated score was calculated to assess if this variant is too frequent to cause the disease. Based on the score and internal cut-off values, a variant classified as benign is not then subjected to further curation. The score for this variant resulted in a classification of benign for this disease.

Eurofins Ntd Llc (ga)
Classification: Benign. Last evaluated: 2016-03-29. Review status: criteria provided, single submitter. Criteria: EGL Classification Definitions 2015. Collection method: clinical testing. Allele origin: germline. Observed: 13 variant alleles, 11 heterozygotes, 2 homozygotes.

Breakthrough Genomics
Classification: Benign. Review status: criteria provided, single submitter. Criteria: ACMG Guidelines, 2015. Collection method: not provided. Allele origin: germline. Inheritance: Autosomal recessive inheritance. Affected: yes.

Mayo Clinic Laboratories, Mayo Clinic
Classification: Benign. Last evaluated: 2017-08-30. Review status: no assertion criteria provided. Collection method: clinical testing. Allele origin: unknown. Not counted in ClinVar's aggregate classification.

Natera, Inc.
Classification: Benign for Niemann-Pick Disease, Types A/B. Last evaluated: 2017-05-06. Review status: no assertion criteria provided. Collection method: clinical testing. Allele origin: germline. Not counted in ClinVar's aggregate classification.